The following is an entry in ClinVar:

NM_001048174.2(MUTYH):c.958C>T (p.Pro320Ser)

Gene: MUTYH (mutY DNA glycosylase; minus strand). Cytogenetic location: 1p34.1.
Variant type: single nucleotide variant.
Coding change: c.958C>T on transcript NM_001048174.2 (MANE Select); coding-DNA position 958, C replaced by T.
Protein change: p.Pro320Ser; replaces proline 320 with serine.
Molecular consequence: missense variant. On other transcripts: non-coding transcript variant (7).
Genome position (GRCh38, 1-based): chr1:45,331,805, G>A on the plus strand (C>T on the coding strand, the complement: MUTYH is on the minus strand). VCF-style: chr1-45331805-G-A. GRCh37 (hg19) VCF-style: chr1-45797477-G-A.
Other names: c.961C>T, p.Pro321Ser (NM_001048172.2, NM_001407078.1, NM_001407086.1 and 1 more transcripts); c.958C>T, p.Pro320Ser (NM_001048173.2, NM_001293195.2, NM_001407081.1 and 6 more transcripts); c.1042C>T, p.Pro348Ser (NM_001128425.2); c.1003C>T, p.Pro335Ser (NM_001293190.2); c.991C>T, p.Pro331Ser (NM_001293191.2, NM_001407069.1, NM_001407077.1); c.682C>T, p.Pro228Ser (NM_001293192.2, NM_001407091.1, NM_001293196.2); c.919C>T, p.Pro307Ser (NM_001407079.1); c.916C>T, p.Pro306Ser (NM_001407080.1); and 5 more; short protein forms P228S, P321S, P335S, P345S, P348S, P205S, P292S, P306S.
Identifiers: ClinVar variation 4112954 (VCV004112954.1).

ClinVar aggregate classification (germline): Uncertain significance (1 of 4 stars; one submission).

Conditions:
Hereditary cancer-predisposing syndrome. Also called: Tumor predisposition; Neoplastic Syndromes, Hereditary; Hereditary neoplastic syndrome; Hereditary Cancer Syndrome. Identifiers: Orphanet 140162, MedGen C0027672, MeSH D009386, MONDO:0015356.

Submission:

Ambry Genetics
Classification: Uncertain significance for Hereditary cancer-predisposing syndrome. Last evaluated: 2025-08-27. Review status: criteria provided, single submitter. Criteria: Ambry Variant Classification Scheme 2023. Collection method: clinical testing. Allele origin: germline.
Comment: The p.P348S variant (also known as c.1042C>T), located in coding exon 12 of the MUTYH gene, results from a C to T substitution at nucleotide position 1042. The proline at codon 348 is replaced by serine, an amino acid with similar properties. This amino acid position is conserved. In addition, the in silico prediction for this alteration is inconclusive. Based on the available evidence, the clinical significance of this variant remains unclear.